The following is an entry in ClinVar:

NM_006267.5(RANBP2):c.1755G>A (p.Thr585=)

Gene: RANBP2 (RAN binding protein 2; plus strand). Cytogenetic location: 2q13.
Variant type: single nucleotide variant.
Coding change: c.1755G>A on transcript NM_006267.5 (MANE Select); coding-DNA position 1755, G replaced by A.
Protein change: p.Thr585=; no amino-acid change (threonine 585 retained).
Molecular consequence: synonymous variant.
Genome position (GRCh38, 1-based): chr2:108,751,994, G>A. VCF-style: chr2-108751994-G-A. GRCh37 (hg19) VCF-style: chr2-109368450-G-A.
Other names: c.1755G>A, p.Thr585= (NM_001415871.1, NM_001415873.1); c.1752G>A, p.Thr584= (NM_001415872.1).
Identifiers: ClinVar variation 2018785 (VCV002018785.4), dbSNP rs1558903324, ClinGen allele CA427909181.

ClinVar aggregate classification (germline): Uncertain significance (1 of 4 stars; one submission).

Conditions:
Familial acute necrotizing encephalopathy (IIAE3). Also called: ENCEPHALOPATHY, ACUTE, INFECTION-INDUCED, SUSCEPTIBILITY TO, 3; Susceptibility to Acute Necrotizing Encephalopathy 1. Identifiers: Orphanet 88619, MedGen C2675556, MONDO:0011953, OMIM 608033.

Allele frequency attached by ClinVar (database versions not stated): gnomAD exomes below 0.00001; TOPMed below 0.00001; gnomAD 0.00001.
gnomAD v4.1: 2 of 1,611,610 alleles (0.00012%); highest among the groups gnomAD compares: Non-Finnish European, 0.00017%; no homozygotes.

Submission:

Labcorp Genetics (formerly Invitae), Labcorp
Classification: Uncertain significance for Familial acute necrotizing encephalopathy. Last evaluated: 2023-11-19. Review status: criteria provided, single submitter. Criteria: Invitae Variant Classification Sherloc (09022015). Collection method: clinical testing. Allele origin: germline.
Comment: This sequence change affects codon 585 of the RANBP2 mRNA. It is a 'silent' change, meaning that it does not change the encoded amino acid sequence of the RANBP2 protein. This variant also falls at the last nucleotide of exon 12, which is part of the consensus splice site for this exon. This variant is not present in population databases (gnomAD no frequency). This variant has not been reported in the literature in individuals affected with RANBP2-related conditions. ClinVar contains an entry for this variant (Variation ID: 2018785). Variants that disrupt the consensus splice site are a relatively common cause of aberrant splicing (PMID: 17576681, 9536098). Algorithms developed to predict the effect of sequence changes on RNA splicing suggest that this variant may disrupt the consensus splice site. In summary, the available evidence is currently insufficient to determine the role of this variant in disease. Therefore, it has been classified as a Variant of Uncertain Significance.

Literature cited by the submitters: PubMed 17576681; PubMed 9536098.